The following is an entry in ClinVar:

ClinVar aggregate classification (germline): Uncertain significance (1 of 4 stars; one submission).

gnomAD v4.1: 1 of 1,613,378 alleles (0.000062%); highest among the groups gnomAD compares: Admixed American, 0.0017%; no homozygotes.

Submission:

GeneDx
Classification: Uncertain significance. Last evaluated: 2021-12-17. Review status: criteria provided, single submitter. Criteria: GeneDx Variant Classification Process June 2021. Collection method: clinical testing. Allele origin: germline. Affected: yes.
Comment: Not observed at significant frequency in large population cohorts (gnomAD); In silico analysis supports that this missense variant has a deleterious effect on protein structure/function; Has not been previously published as pathogenic or benign to our knowledge

NM_006019.4(TCIRG1):c.2381T>C (p.Leu794Pro)

Gene: TCIRG1 (T cell immune regulator 1, ATPase H+ transporting V0 subunit a3; plus strand). Cytogenetic location: 11q13.2.
Variant type: single nucleotide variant.
Coding change: c.2381T>C on transcript NM_006019.4 (MANE Select); coding-DNA position 2381, T replaced by C.
Protein change: p.Leu794Pro; replaces leucine 794 with proline.
Genome position (GRCh38, 1-based): chr11:68,050,631, T>C. VCF-style: chr11-68050631-T-C. GRCh37 (hg19) VCF-style: chr11-67818098-T-C.
Other names: c.1487T>C, p.Leu496Pro (NM_001351059.2); c.1733T>C, p.Leu578Pro (NM_006053.4); short protein forms L496P, L578P, L794P.
Identifiers: ClinVar variation 1691774 (VCV001691774.2), dbSNP rs1225851758, ClinGen allele CA381592095.
Genomic context (GRCh38, chr11:68,050,631, plus strand): 5'-TCCCCATCTTTGCCGCCTTTGCCGTGATGACCGTGGCTATCCTGCTGGTGATGGAGGGAC[T>C]CTCAGCCTTCCTGCACGCCCTGCGGCTGCACTGGTGAGCGACCACCCACTGGCCTGGGCT-3'
Protein context (NP_006010.2, residues 784-804): TVAILLVMEG[Leu794Pro]SAFLHALRLH